The following is an entry in ClinVar:

NM_017934.7(PHIP):c.63G>A (p.Arg21=)

Gene: PHIP (PHIP subunit of CUL4-Ring ligase complex; minus strand). Cytogenetic location: 6q14.1.
Variant type: single nucleotide variant.
Coding change: c.63G>A on transcript NM_017934.7 (MANE Select); coding-DNA position 63, G replaced by A.
Protein change: p.Arg21=; no amino-acid change (arginine 21 retained).
Molecular consequence: synonymous variant.
Genome position (GRCh38, 1-based): chr6:79,077,891, C>T on the plus strand (G>A on the coding strand, the complement: PHIP is on the minus strand). VCF-style: chr6-79077891-C-T. GRCh37 (hg19) VCF-style: chr6-79787608-C-T.
Identifiers: ClinVar variation 5001212 (VCV005001212.1).

ClinVar aggregate classification (germline): Likely benign (1 of 4 stars; one submission).

Conditions:
PHIP-related disorder. Also called: PHIP-related disorders; PHIP-related condition.

Submission:

PreventionGenetics, part of Exact Sciences
Classification: Likely benign for PHIP-related condition. Last evaluated: 2025-07-23. Review status: criteria provided, single submitter. Criteria: ACMG Guidelines, 2015. Collection method: clinical testing. Allele origin: germline.
Comment: This variant is classified as likely benign based on ACMG/AMP sequence variant interpretation guidelines (Richards et al. 2015 PMID: 25741868, with internal and published modifications).